The following is an entry in ClinVar:

NM_014727.3(KMT2B):c.7849C>T (p.Arg2617Trp)

Gene: KMT2B (lysine methyltransferase 2B; plus strand). Cytogenetic location: 19q13.12.
Variant type: single nucleotide variant.
Coding change: c.7849C>T on transcript NM_014727.3 (MANE Select); coding-DNA position 7849, C replaced by T.
Protein change: p.Arg2617Trp; replaces arginine 2617 with tryptophan.
Molecular consequence: missense variant.
Genome position (GRCh38, 1-based): chr19:35,738,168, C>T. VCF-style: chr19-35738168-C-T. GRCh37 (hg19) VCF-style: chr19-36229069-C-T.
Other names: short protein forms R2617W.
Identifiers: ClinVar variation 4083457 (VCV004083457.1).

ClinVar aggregate classification (germline): Uncertain significance (1 of 4 stars; one submission).

gnomAD v4.1: 1 of 1,613,760 alleles (0.000062%); no homozygotes.

Submission:

GeneDx
Classification: Uncertain significance. Last evaluated: 2025-03-14. Review status: criteria provided, single submitter. Criteria: GeneDx Variant Classification Process June 2021. Collection method: clinical testing. Allele origin: germline. Affected: yes.
Comment: Not observed at significant frequency in large population cohorts (gnomAD); In silico analysis supports that this missense variant has a deleterious effect on protein structure/function; Has not been previously published as pathogenic or benign to our knowledge